The following is an entry in ClinVar:

ClinVar aggregate classification (germline): Benign/Likely benign. Review status: criteria provided, multiple submitters, no conflicts (2 of 4 stars). 4 submissions from 4 submitters: Benign (1); Likely benign (3). Last evaluated 2026-06-26.

Conditions:
Spondylodysplastic Ehlers-Danlos syndrome. Identifiers: Orphanet 536471, Orphanet 75496, MedGen C5680154, MONDO:0007526.

Allele frequency attached by ClinVar (database versions not stated): ExAC 0.00014; gnomAD exomes 0.00021 and 0.00037; gnomAD 0.00028; ESP Exome Variant Server 0.00031; TOPMed 0.00032.
gnomAD v4.1: 569 of 1,608,702 alleles (0.035%); highest among the groups gnomAD compares: Non-Finnish European, 0.044%; 1 homozygote.

Submissions (4):

Women's Health and Genetics/Laboratory Corporation of America, LabCorp
Classification: Likely benign. Last evaluated: 2026-06-26. Review status: criteria provided, single submitter. Criteria: LabCorp Variant Classification Summary - May 2015. Collection method: clinical testing. Allele origin: germline.

Labcorp Genetics (formerly Invitae), Labcorp
Classification: Benign for Spondylodysplastic Ehlers-Danlos syndrome. Last evaluated: 2025-12-26. Review status: criteria provided, single submitter. Criteria: Invitae Variant Classification Sherloc (09022015). Collection method: clinical testing. Allele origin: germline.

Blueprint Genetics
Classification: Likely benign. Last evaluated: 2024-09-07. Review status: criteria provided, single submitter. Criteria: ACMG Guidelines, 2015. Collection method: clinical testing. Allele origin: germline.

GeneDx
Classification: Likely benign. Last evaluated: 2018-01-02. Review status: criteria provided, single submitter. Criteria: GeneDx Variant Classification (06012015). Collection method: clinical testing. Allele origin: germline. Affected: yes.
Comment: This variant is considered likely benign or benign based on one or more of the following criteria: it is a conservative change, it occurs at a poorly conserved position in the protein, it is predicted to be benign by multiple in silico algorithms, and/or has population frequency not consistent with disease.

NM_007255.3(B4GALT7):c.723+19C>T

Gene: B4GALT7 (beta-1,4-galactosyltransferase 7; plus strand). Cytogenetic location: 5q35.3.
Variant type: single nucleotide variant.
Coding change: c.723+19C>T on transcript NM_007255.3 (MANE Select); 19 bases into the intron after coding-DNA position 723, C replaced by T.
Molecular consequence: intron variant.
Genome position (GRCh38, 1-based): chr5:177,608,641, C>T. VCF-style: chr5-177608641-C-T. GRCh37 (hg19) VCF-style: chr5-177035642-C-T.
Identifiers: ClinVar variation 514357 (VCV000514357.11), dbSNP rs374080326, ClinGen allele CA3586653.